The following is an entry in ClinVar:

NM_001378183.1(PIEZO2):c.8167A>G (p.Asn2723Asp)

Gene: PIEZO2 (piezo type mechanosensitive ion channel component 2; minus strand). Cytogenetic location: 18p11.22.
Variant type: single nucleotide variant.
Coding change: c.8167A>G on transcript NM_001378183.1 (MANE Select); coding-DNA position 8167, A replaced by G.
Protein change: p.Asn2723Asp; replaces asparagine 2723 with aspartic acid.
Molecular consequence: missense variant.
Genome position (GRCh38, 1-based): chr18:10,672,868, T>C on the plus strand (A>G on the coding strand, the complement: PIEZO2 is on the minus strand). VCF-style: chr18-10672868-T-C. GRCh37 (hg19) VCF-style: chr18-10672865-T-C.
Other names: c.7903A>G, p.Asn2635Asp (NM_001410871.1); c.7828A>G, p.Asn2610Asp (NM_022068.4); short protein forms N2610D, N2635D, N2723D.
Identifiers: ClinVar variation 3605399 (VCV003605399.2).

ClinVar aggregate classification (germline): Uncertain significance (1 of 4 stars; one submission).

gnomAD v4.1: 1 of 1,597,868 alleles (0.000063%); highest among the groups gnomAD compares: Admixed American, 0.0018%; no homozygotes.

Submission:

Labcorp Genetics (formerly Invitae), Labcorp
Classification: Uncertain significance. Last evaluated: 2025-10-13. Review status: criteria provided, single submitter. Criteria: Invitae Variant Classification Sherloc (09022015). Collection method: clinical testing. Allele origin: germline.
Comment: This sequence change replaces asparagine, which is neutral and polar, with aspartic acid, which is acidic and polar, at codon 2610 of the PIEZO2 protein (p.Asn2610Asp). This variant is not present in population databases (gnomAD no frequency). This variant has not been reported in the literature in individuals affected with PIEZO2-related conditions. ClinVar contains an entry for this variant (Variation ID: 3605399). Invitae Evidence Modeling of protein sequence and biophysical properties (such as structural, functional, and spatial information, amino acid conservation, physicochemical variation, residue mobility, and thermodynamic stability) indicates that this missense variant is not expected to disrupt PIEZO2 protein function with a negative predictive value of 95%. In summary, the available evidence is currently insufficient to determine the role of this variant in disease. Therefore, it has been classified as a Variant of Uncertain Significance.